The following is an entry in ClinVar:

NM_001164508.2(NEB):c.22328G>C (p.Arg7443Pro)

Genes: NEB (nebulin; minus strand), RIF1 (replication timing regulatory factor 1; plus strand). Cytogenetic location: 2q23.3.
Variant type: single nucleotide variant.
Coding change: c.22328G>C on transcript NM_001164508.2 (MANE Select); coding-DNA position 22328, G replaced by C.
Protein change: p.Arg7443Pro; replaces arginine 7443 with proline.
Molecular consequence: missense variant.
Genome position (GRCh38, 1-based): chr2:151,524,561, C>G on the plus strand (G>C on the coding strand, the complement: NEB is on the minus strand). VCF-style: chr2-151524561-C-G. GRCh37 (hg19) VCF-style: chr2-152381075-C-G.
Other names: c.22328G>C, p.Arg7443Pro (NM_001164507.2); c.22433G>C, p.Arg7478Pro (NM_001271208.2); c.17225G>C, p.Arg5742Pro (NM_004543.5); short protein forms R5742P, R7443P, R7478P.
Identifiers: ClinVar variation 957047 (VCV000957047.9), dbSNP rs2084210932, ClinGen allele CA348765020.

ClinVar aggregate classification (germline): Uncertain significance (1 of 4 stars; one submission).

Conditions:
Nemaline myopathy 2 (NEM2). Also called: Nemaline myopathy 2, autosomal recessive. Identifiers: MedGen C1850569, MONDO:0009725, OMIM 256030.

Submission:

Labcorp Genetics (formerly Invitae), Labcorp
Classification: Uncertain significance for Nemaline myopathy 2. Last evaluated: 2019-07-05. Review status: criteria provided, single submitter. Criteria: Invitae Variant Classification Sherloc (09022015). Collection method: clinical testing. Allele origin: germline.
Comment: This variant is not present in population databases (ExAC no frequency). This variant has not been reported in the literature in individuals with NEB-related conditions. This sequence change replaces arginine with proline at codon 7478 of the NEB protein (p.Arg7478Pro). The arginine residue is moderately conserved and there is a moderate physicochemical difference between arginine and proline. Algorithms developed to predict the effect of missense changes on protein structure and function are either unavailable or do not agree on the potential impact of this missense change (SIFT: "Deleterious"; PolyPhen-2: "Not Available"; Align-GVGD: "Class C0"). In summary, the available evidence is currently insufficient to determine the role of this variant in disease. Therefore, it has been classified as a Variant of Uncertain Significance.